The following is an entry in ClinVar:

ClinVar aggregate classification (germline): Uncertain significance. Review status: criteria provided, multiple submitters, no conflicts (2 of 4 stars). 4 submissions from 4 submitters: Uncertain significance (3). 1 of the submissions does not count toward it. Last evaluated 2025-06-24.

Conditions:
Cardiovascular phenotype. Identifiers: MedGen CN230736.
Walker-Warburg congenital muscular dystrophy. Also called: Muscular dystrophy-dystroglycanopathy, type A; Walker-Warburg syndrome. Identifiers: Orphanet 899, MedGen C0265221, MONDO:0000171.
Autosomal recessive limb-girdle muscular dystrophy type 2I. Also called: MUSCULAR DYSTROPHY-DYSTROGLYCANOPATHY (LIMB-GIRDLE), TYPE C, 5; MUSCULAR DYSTROPHY-DYSTROGLYCANOPATHY, LIMB-GIRDLE, FRKP-RELATED; MUSCULAR DYSTROPHY, LIMB-GIRDLE, TYPE 2I. Identifiers: Orphanet 34515, MedGen C1846672, MONDO:0011787, OMIM 607155.

Allele frequency attached by ClinVar (database versions not stated): gnomAD 0.00001.
gnomAD v4.1: 3 of 1,495,758 alleles (0.0002%); highest among the groups gnomAD compares: African/African-American, 0.0042%; no homozygotes.

Submissions (4):

Women's Health and Genetics/Laboratory Corporation of America, LabCorp
Classification: Uncertain significance. Last evaluated: 2025-06-24. Review status: criteria provided, single submitter. Criteria: LabCorp Variant Classification Summary - May 2015. Collection method: clinical testing. Allele origin: germline.
Comment: Variant summary: FKRP c.428G>T (p.Arg143Leu) results in a non-conservative amino acid change in the encoded protein sequence. Algorithms developed to predict the effect of missense changes on protein structure and function all suggest that this variant is likely to be disruptive. The variant allele was found at a frequency of 9.9e-06 in 101284 control chromosomes. The available data on variant occurrences in the general population are insufficient to allow any conclusion about variant significance. To our knowledge, no occurrence of c.428G>T in individuals affected with Limb-Girdle Muscular Dystrophy, Autosomal Recessive and no experimental evidence demonstrating its impact on protein function have been reported. ClinVar contains an entry for this variant (Variation ID: 1739420). Based on the evidence outlined above, the variant was classified as uncertain significance.

Labcorp Genetics (formerly Invitae), Labcorp
Classification: Uncertain significance for Walker-Warburg congenital muscular dystrophy. Last evaluated: 2022-01-05. Review status: criteria provided, single submitter. Criteria: Invitae Variant Classification Sherloc (09022015). Collection method: clinical testing. Allele origin: germline.
Comment: This sequence change replaces arginine, which is basic and polar, with leucine, which is neutral and non-polar, at codon 143 of the FKRP protein (p.Arg143Leu). The frequency data for this variant in the population databases is considered unreliable, as metrics indicate poor data quality at this position in the gnomAD database. This variant has not been reported in the literature in individuals affected with FKRP-related conditions. Algorithms developed to predict the effect of missense changes on protein structure and function (SIFT, PolyPhen-2, Align-GVGD) all suggest that this variant is likely to be tolerated. In summary, the available evidence is currently insufficient to determine the role of this variant in disease. Therefore, it has been classified as a Variant of Uncertain Significance.

Ambry Genetics
Classification: Uncertain significance for Cardiovascular phenotype. Last evaluated: 2019-11-06. Review status: criteria provided, single submitter. Criteria: Ambry Variant Classification Scheme 2023. Collection method: clinical testing. Allele origin: germline.
Comment: The p.R143L variant (also known as c.428G>T), located in coding exon 1 of the FKRP gene, results from a G to T substitution at nucleotide position 428. The arginine at codon 143 is replaced by leucine, an amino acid with dissimilar properties. This amino acid position is not well conserved in available vertebrate species, and leucine is the reference amino acid in other vertebrate species. In addition, the in silico prediction for this alteration is inconclusive. Since supporting evidence is limited at this time, the clinical significance of this alteration remains unclear.

Natera, Inc.
Classification: Uncertain significance for Limb-girdle muscular dystrophy type 2I. Last evaluated: 2025-02-13. Review status: no assertion criteria provided. Collection method: clinical testing. Allele origin: germline. Not counted in ClinVar's aggregate classification.

NM_024301.5(FKRP):c.428G>T (p.Arg143Leu)

Gene: FKRP (fukutin related protein; plus strand). Cytogenetic location: 19q13.32.
Variant type: single nucleotide variant.
Coding change: c.428G>T on transcript NM_024301.5 (MANE Select); coding-DNA position 428, G replaced by T.
Protein change: p.Arg143Leu; replaces arginine 143 with leucine.
Molecular consequence: missense variant.
Genome position (GRCh38, 1-based): chr19:46,755,878, G>T. VCF-style: chr19-46755878-G-T. GRCh37 (hg19) VCF-style: chr19-47259135-G-T.
Other names: c.428G>T, p.Arg143Leu (NM_001039885.3); short protein forms R143L.
Identifiers: ClinVar variation 1739420 (VCV001739420.6), dbSNP rs1201804052, ClinGen allele CA406495306.